The following is an entry in ClinVar:

NM_005476.7(GNE):c.527A>G (p.Asp176Gly)

Gene: GNE (glucosamine (UDP-N-acetyl)-2-epimerase/N-acetylmannosamine kinase; minus strand). Cytogenetic location: 9p13.3.
Variant type: single nucleotide variant.
Coding change: c.527A>G on transcript NM_005476.7 (MANE Select); coding-DNA position 527, A replaced by G.
Protein change: p.Asp176Gly; replaces aspartic acid 176 with glycine.
Molecular consequence: missense variant.
Genome position (GRCh38, 1-based): chr9:36,246,120, T>C on the plus strand (A>G on the coding strand, the complement: GNE is on the minus strand). VCF-style: chr9-36246120-T-C. GRCh37 (hg19) VCF-style: chr9-36246117-T-C.
Other names: c.620A>G, p.Asp207Gly (NM_001128227.3); c.527A>G, p.Asp176Gly (NM_001190383.3, NM_001374797.1); c.350A>G, p.Asp117Gly (NM_001190384.3, NM_001190388.2, NM_001374798.1); short protein forms D207G, D117G, D176G.
Identifiers: ClinVar variation 4794896 (VCV004794896.1).

ClinVar aggregate classification (germline): Uncertain significance (1 of 4 stars; one submission).

Conditions:
Sialuria. Also called: SIALURIA, FRENCH TYPE; Sialic Acid Storage Disease. Identifiers: Orphanet 3166, MedGen C0342853, MONDO:0010028, OMIM 269921.
GNE myopathy (NM). Also called: NONAKA DISTAL MYOPATHY; INCLUSION BODY MYOPATHY, HEREDITARY, AUTOSOMAL RECESSIVE; INCLUSION BODY MYOPATHY 2, AUTOSOMAL RECESSIVE; MYOPATHY, DISTAL, WITH OR WITHOUT RIMMED VACUOLES; Inclusion body myopathy autosomal recessive; Inclusion body myopathy quadriceps sparing. Identifiers: Orphanet 602, MedGen C1853926, MONDO:0011603, OMIM 605820.

gnomAD v4.1: 1 of 1,614,228 alleles (0.000062%); highest among the groups gnomAD compares: Non-Finnish European, 0.000085%; no homozygotes.

Submission:

Labcorp Genetics (formerly Invitae), Labcorp
Classification: Uncertain significance for Sialuria; GNE myopathy. Last evaluated: 2025-08-25. Review status: criteria provided, single submitter. Criteria: Invitae Variant Classification Sherloc (09022015). Collection method: clinical testing. Allele origin: germline.
Comment: This sequence change replaces aspartic acid, which is acidic and polar, with glycine, which is neutral and non-polar, at codon 207 of the GNE protein (p.Asp207Gly). This variant is not present in population databases (gnomAD no frequency). This variant has not been reported in the literature in individuals affected with GNE-related conditions. Invitae Evidence Modeling of protein sequence and biophysical properties (such as structural, functional, and spatial information, amino acid conservation, physicochemical variation, residue mobility, and thermodynamic stability) has been performed for this missense variant. However, the output from this modeling did not meet the statistical confidence thresholds required to predict the impact of this variant on GNE protein function. This variant disrupts the p.Asp207 amino acid residue in GNE. Other variant(s) that disrupt this residue have been determined to be pathogenic (PMID: 12473753, 14707127, 18383535, 26161358, 28403181, 29307446). This suggests that this residue is clinically significant, and that variants that disrupt this residue are likely to be disease-causing. In summary, the available evidence is currently insufficient to determine the role of this variant in disease. Therefore, it has been classified as a Variant of Uncertain Significance.

Literature cited by the submitters: PubMed 12473753; PubMed 14707127; PubMed 18383535; PubMed 26161358; PubMed 28403181; PubMed 29307446.